The following is an entry in ClinVar:

NM_004036.5(ADCY3):c.219G>C (p.Gln73His)

Gene: ADCY3 (adenylate cyclase 3; minus strand). Cytogenetic location: 2p23.3.
Variant type: single nucleotide variant.
Coding change: c.219G>C on transcript NM_004036.5 (MANE Select); coding-DNA position 219, G replaced by C.
Protein change: p.Gln73His; replaces glutamine 73 with histidine.
Molecular consequence: missense variant.
Genome position (GRCh38, 1-based): chr2:24,918,769, C>G on the plus strand (G>C on the coding strand, the complement: ADCY3 is on the minus strand). VCF-style: chr2-24918769-C-G. GRCh37 (hg19) VCF-style: chr2-25141638-C-G.
Other names: c.219G>C (NM_001320613.1); c.219G>C, p.Gln73His (NM_001320613.2, NM_001377128.1, NM_001377129.1 and 2 more transcripts); short protein forms Q73H.
Identifiers: ClinVar variation 4011923 (VCV004011923.2).

ClinVar aggregate classification (germline): Uncertain significance. Review status: criteria provided, multiple submitters, no conflicts (2 of 4 stars). 2 submissions from 2 submitters: Uncertain significance (2). Last evaluated 2025-06-07.

Conditions:
Inborn genetic diseases. Identifiers: MedGen C0950123, MeSH D030342.
ADCY3-related disorder. Also called: ADCY3-related condition.

gnomAD v4.1: 3 of 1,613,952 alleles (0.00019%); highest among the groups gnomAD compares: Non-Finnish European, 0.00025%; no homozygotes.

Submissions (2):

Ambry Genetics
Classification: Uncertain significance for Inborn genetic diseases. Last evaluated: 2025-06-07. Review status: criteria provided, single submitter. Criteria: Ambry Variant Classification Scheme 2023. Collection method: clinical testing. Allele origin: germline.

PreventionGenetics, part of Exact Sciences
Classification: Uncertain significance for ADCY3-related condition. Last evaluated: 2024-12-12. Review status: criteria provided, single submitter. Criteria: ACMG Guidelines, 2015. Collection method: clinical testing. Allele origin: germline.
Comment: The ADCY3 c.219G>C variant is predicted to result in the amino acid substitution p.Gln73His. To our knowledge, this variant has not been reported in the literature. This variant is reported in 0.00088% of alleles in individuals of European (Non-Finnish) descent in gnomAD. At this time, the clinical significance of this variant is uncertain due to the absence of conclusive functional and genetic evidence.